The following is an entry in ClinVar:

ClinVar aggregate classification (germline): Uncertain significance. Review status: criteria provided, multiple submitters, no conflicts (2 of 4 stars). 2 submissions from 2 submitters: Uncertain significance (2). Last evaluated 2025-10-23.

Conditions:
Pheochromocytoma/paraganglioma syndrome 5. Also called: Paragangliomas 5; SDHA-Related Hereditary Paraganglioma-Pheochromocytoma Syndrome. Identifiers: Orphanet 29072, MedGen C3279992, MONDO:0013602, OMIM 614165.
Mitochondrial complex II deficiency, nuclear type 1. Also called: SUCCINATE CoQ REDUCTASE DEFICIENCY. Identifiers: Orphanet 3208, MedGen C5700310, MONDO:0100294, OMIM 252011.
Hereditary cancer-predisposing syndrome. Also called: Tumor predisposition; Hereditary neoplastic syndrome; Neoplastic Syndromes, Hereditary; Hereditary Cancer Syndrome. Identifiers: Orphanet 140162, MedGen C0027672, MeSH D009386, MONDO:0015356.

Allele frequency attached by ClinVar (database versions not stated): ExAC 0.00001; gnomAD exomes 0.00001.

Submissions (2):

Ambry Genetics
Classification: Uncertain significance for Hereditary cancer-predisposing syndrome. Last evaluated: 2025-10-23. Review status: criteria provided, single submitter. Criteria: Ambry Variant Classification Scheme 2023. Collection method: clinical testing. Allele origin: germline.
Comment: The p.S321I variant (also known as c.962G>T), located in coding exon 8 of the SDHA gene, results from a G to T substitution at nucleotide position 962. The serine at codon 321 is replaced by isoleucine, an amino acid with dissimilar properties. This amino acid position is highly conserved in available vertebrate species. In addition, this alteration is predicted to be deleterious by in silico analysis. Since supporting evidence is limited at this time, the clinical significance of this alteration remains unclear.

Labcorp Genetics (formerly Invitae), Labcorp
Classification: Uncertain significance for Pheochromocytoma/paraganglioma syndrome 5; Mitochondrial complex II deficiency, nuclear type 1. Last evaluated: 2023-03-09. Review status: criteria provided, single submitter. Criteria: Invitae Variant Classification Sherloc (09022015). Collection method: clinical testing. Allele origin: germline.
Comment: This sequence change replaces serine, which is neutral and polar, with isoleucine, which is neutral and non-polar, at codon 321 of the SDHA protein (p.Ser321Ile). This variant is present in population databases (rs751896104, gnomAD 0.002%). This variant has not been reported in the literature in individuals affected with SDHA-related conditions. ClinVar contains an entry for this variant (Variation ID: 848993). Advanced modeling of protein sequence and biophysical properties (such as structural, functional, and spatial information, amino acid conservation, physicochemical variation, residue mobility, and thermodynamic stability) performed at Invitae indicates that this missense variant is not expected to disrupt SDHA protein function. In summary, the available evidence is currently insufficient to determine the role of this variant in disease. Therefore, it has been classified as a Variant of Uncertain Significance.

NM_004168.4(SDHA):c.962G>T (p.Ser321Ile)

Gene: SDHA (succinate dehydrogenase complex flavoprotein subunit A; plus strand). Cytogenetic location: 5p15.33.
Variant type: single nucleotide variant.
Coding change: c.962G>T on transcript NM_004168.4 (MANE Select); coding-DNA position 962, G replaced by T.
Protein change: p.Ser321Ile; replaces serine 321 with isoleucine.
Molecular consequence: missense variant.
Genome position (GRCh38, 1-based): chr5:233,543, G>T. VCF-style: chr5-233543-G-T. GRCh37 (hg19) VCF-style: chr5-233658-G-T.
Other names: c.818G>T, p.Ser273Ile (NM_001294332.2); c.962G>T, p.Ser321Ile (NM_001330758.2); short protein forms S273I, S321I.
Identifiers: ClinVar variation 848993 (VCV000848993.11), dbSNP rs751896104, ClinGen allele CA3173045.